The following is an entry in ClinVar:

NM_000532.5(PCCB):c.183+1G>C

Gene: PCCB (propionyl-CoA carboxylase subunit beta; plus strand). Cytogenetic location: 3q22.3.
Variant type: single nucleotide variant.
Coding change: c.183+1G>C on transcript NM_000532.5 (MANE Select); the canonical splice donor site of the intron after coding-DNA position 183, G replaced by C.
Molecular consequence: splice donor variant.
Genome position (GRCh38, 1-based): chr3:136,250,559, G>C. VCF-style: chr3-136250559-G-C. GRCh37 (hg19) VCF-style: chr3-135969401-G-C.
Other names: c.183+1G>C (NM_001178014.2).
Identifiers: ClinVar variation 2793290 (VCV002793290.3), dbSNP rs398123460, ClinGen allele CA354738146.

ClinVar aggregate classification (germline): Likely pathogenic (1 of 4 stars; one submission).

Conditions:
Propionic acidemia (PROP). Also called: GLYCINEMIA, KETOTIC; HYPERGLYCINEMIA WITH KETOACIDOSIS AND LEUKOPENIA; KETOTIC HYPERGLYCINEMIA. Identifiers: Orphanet 35, MedGen C0268579, MONDO:0011628, OMIM 606054, HP:0003571.

Submission:

Labcorp Genetics (formerly Invitae), Labcorp
Classification: Likely pathogenic for Propionic acidemia. Last evaluated: 2024-01-03. Review status: criteria provided, single submitter. Criteria: Invitae Variant Classification Sherloc (09022015). Collection method: clinical testing. Allele origin: germline.
Comment: This sequence change affects a donor splice site in intron 1 of the PCCB gene. It is expected to disrupt RNA splicing. Variants that disrupt the donor or acceptor splice site typically lead to a loss of protein function (PMID: 16199547), and loss-of-function variants in PCCB are known to be pathogenic (PMID: 15464417). This variant is not present in population databases (gnomAD no frequency). This variant has not been reported in the literature in individuals affected with PCCB-related conditions. Algorithms developed to predict the effect of sequence changes on RNA splicing suggest that this variant may disrupt the consensus splice site. In summary, the currently available evidence indicates that the variant is pathogenic, but additional data are needed to prove that conclusively. Therefore, this variant has been classified as Likely Pathogenic.

Literature cited by the submitters: PubMed 16199547; PubMed 15464417.